The following is an entry in ClinVar:

ClinVar aggregate classification (germline): Conflicting classifications of pathogenicity. Review status: criteria provided, conflicting classifications (1 of 4 stars). 2 submissions from 2 submitters: Uncertain significance (1); Likely benign (1). Last evaluated 2026-07-24.

Conditions:
Dilated cardiomyopathy 1DD (CMD1DD). Identifiers: Orphanet 154, MedGen C2750995, MONDO:0013168, OMIM 613172.
Cardiovascular phenotype. Identifiers: MedGen CN230736.

Allele frequency attached by ClinVar (database versions not stated): TOPMed below 0.00001; gnomAD exomes 0.00001 and below 0.00001.
gnomAD v4.1: 1 of 1,551,698 alleles (0.000064%); highest among the groups gnomAD compares: Admixed American, 0.002%; no homozygotes.

Submissions (2):

Ambry Genetics
Classification: Uncertain significance for Cardiovascular phenotype. Last evaluated: 2026-07-24. Review status: criteria provided, single submitter. Criteria: Ambry Variant Classification Scheme 2023. Collection method: clinical testing. Allele origin: germline.
Comment: The p.G241R variant (also known as c.721G>C), located in coding exon 2 of the RBM20 gene, results from a G to C substitution at nucleotide position 721. The glycine at codon 241 is replaced by arginine, an amino acid with dissimilar properties. This amino acid position is conserved. In addition, this alteration is predicted to be tolerated by in silico analysis. Based on the available evidence, the clinical significance of this variant remains unclear.

Labcorp Genetics (formerly Invitae), Labcorp
Classification: Likely benign for Dilated cardiomyopathy 1DD. Last evaluated: 2024-06-04. Review status: criteria provided, single submitter. Criteria: Invitae Variant Classification Sherloc (09022015). Collection method: clinical testing. Allele origin: germline.

NM_001134363.3(RBM20):c.721G>C (p.Gly241Arg)

Gene: RBM20 (RNA binding motif protein 20; plus strand). Cytogenetic location: 10q25.2.
Variant type: single nucleotide variant.
Coding change: c.721G>C on transcript NM_001134363.3 (MANE Select); coding-DNA position 721, G replaced by C.
Protein change: p.Gly241Arg; replaces glycine 241 with arginine.
Molecular consequence: missense variant.
Genome position (GRCh38, 1-based): chr10:110,781,330, G>C. VCF-style: chr10-110781330-G-C. GRCh37 (hg19) VCF-style: chr10-112541088-G-C.
Other names: c.721G>C (NM_001134363.1); short protein forms G241R.
Identifiers: ClinVar variation 1390008 (VCV001390008.7), dbSNP rs932090112, ClinGen allele CA213234826.